The following is an entry in ClinVar:

NM_001379659.1(ZNF142):c.212G>A (p.Gly71Glu)

Gene: ZNF142 (zinc finger protein 142; minus strand). Cytogenetic location: 2q35.
Variant type: single nucleotide variant.
Coding change: c.212G>A on transcript NM_001379659.1 (MANE Select); coding-DNA position 212, G replaced by A.
Protein change: p.Gly71Glu; replaces glycine 71 with glutamic acid.
Molecular consequence: missense variant.
Genome position (GRCh38, 1-based): chr2:218,656,218, C>T on the plus strand (G>A on the coding strand, the complement: ZNF142 is on the minus strand). VCF-style: chr2-218656218-C-T. GRCh37 (hg19) VCF-style: chr2-219520941-C-T.
Other names: c.212G>A, p.Gly71Glu (NM_001105537.5, NM_001366290.3, NM_001366291.3 and 7 more transcripts); c.-400G>A (NM_001366287.3, NM_001366288.3, NM_001366289.3); short protein forms G71E.
Identifiers: ClinVar variation 2380820 (VCV002380820.3), dbSNP rs200765742, ClinGen allele CA2109529.
Genomic context (GRCh38, chr2:218,656,218, plus strand): 5'-TCTCCAGGAGCACCTGGGGTCAGGGTTCCAGCTACTGTCTCCACAATGATCTCCATGTTC[C>T]CTGGTCCCTCTTCAGTTGCTGTGGCCTCTACCAGCAGGCAGCCTGGCTCAGTAGGTATAG-3'
Protein context (NP_001366588.1, residues 61-81): VEATATEEGP[Gly71Glu]NMEIIVETVA

ClinVar aggregate classification (germline): Uncertain significance. Review status: criteria provided, multiple submitters, no conflicts (2 of 4 stars). 2 submissions from 2 submitters: Uncertain significance (2). Last evaluated 2024-01-31.

Conditions:
Neurodevelopmental disorder with impaired speech and hyperkinetic movements. Identifiers: MedGen C5193088, MONDO:0032741, OMIM 618425.
Inborn genetic diseases. Identifiers: MedGen C0950123, MeSH D030342.

Allele frequency attached by ClinVar (database versions not stated): TOPMed 0.00019; ESP Exome Variant Server 0.00056; gnomAD exomes 0.00015; ExAC 0.00022; gnomAD 0.00036.
gnomAD v4.1: 267 of 1,612,950 alleles (0.017%); highest among the groups gnomAD compares: Non-Finnish European, 0.022%; no homozygotes.

Submissions (2):

Clinical Genomics Laboratory, Washington University in St. Louis
Classification: Uncertain significance for Neurodevelopmental disorder with impaired speech and hyperkinetic movements. Last evaluated: 2024-01-31. Review status: criteria provided, single submitter. Criteria: ACMG Guidelines, 2015. Collection method: clinical testing. Allele origin: germline.
Comment: The ZNF142 c.212G>A (Gly71Glu) variant, to our knowledge, has not been reported in the medical literature. The highest population minor allele frequency in the population database genome aggregation database (v.2.1.1) is 0.06% in the European non-Finnish population. Computational predictors suggest that the variant does not impact ZNF142 function. This variant has been reported in the ClinVar database as a germline variant of uncertain significance by one submitter. Due to limited information, and based on ACMG/AMP guidelines for variant interpretation (Richards S et al., PMID: 25741868), the clinical significance of this variant is uncertain at this time.

Ambry Genetics
Classification: Uncertain significance for Inborn genetic diseases. Last evaluated: 2021-06-21. Review status: criteria provided, single submitter. Criteria: Ambry Variant Classification Scheme 2023. Collection method: clinical testing. Allele origin: germline.